The following is an entry in ClinVar:

ClinVar aggregate classification (germline): Uncertain significance (1 of 4 stars; one submission).

Conditions:
Epidermolysis bullosa simplex with nail dystrophy (EBS5D). Identifiers: MedGen C4225309, MONDO:0014661, OMIM 616487.
Epidermolysis bullosa simplex, Ogna type (EBS5A). Also called: Pidermolysis bullosa simplex 5A, Ogna type; EPIDERMOLYSIS BULLOSA SIMPLEX 5A, OGNA TYPE. Identifiers: Orphanet 79401, MedGen C0432317, MONDO:0007555, OMIM 131950.
Epidermolysis bullosa simplex 5B, with muscular dystrophy (EBS5B). Also called: Epidermolysis bullosa simplex with muscular dystrophy; EPIDERMOLYSIS BULLOSA SIMPLEX AND LIMB-GIRDLE MUSCULAR DYSTROPHY. Identifiers: Orphanet 257, MedGen C2931072, MONDO:0009181, OMIM 226670.
Autosomal recessive limb-girdle muscular dystrophy type 2Q (LGMDR17). Also called: MUSCULAR DYSTROPHY, LIMB-GIRDLE, AUTOSOMAL RECESSIVE 17. Identifiers: Orphanet 254361, MedGen C3150989, MONDO:0013390, OMIM 613723.
Epidermolysis bullosa simplex 5C, with pyloric atresia (EBS5C). Also called: PLEC-Related Epidermolysis Bullosa with Pyloric Atresia; Epidermolysis bullosa simplex with pyloric atresia; PLEC1-Related Epidermolysis Bullosa with Pyloric Atresia. Identifiers: Orphanet 158684, MedGen C2677349, MONDO:0012807, OMIM 612138.

gnomAD v4.1: 4 of 1,589,384 alleles (0.00025%); highest among the groups gnomAD compares: Non-Finnish European, 0.00034%; no homozygotes.

Submission:

Labcorp Genetics (formerly Invitae), Labcorp
Classification: Uncertain significance for Autosomal recessive limb-girdle muscular dystrophy type 2Q; Epidermolysis bullosa simplex, Ogna type; Epidermolysis bullosa simplex with nail dystrophy; Epidermolysis bullosa simplex 5C, with pyloric atresia; Epidermolysis bullosa simplex 5B, with muscular dystrophy. Last evaluated: 2025-04-11. Review status: criteria provided, single submitter. Criteria: Invitae Variant Classification Sherloc (09022015). Collection method: clinical testing. Allele origin: germline.
Comment: This sequence change replaces alanine, which is neutral and non-polar, with threonine, which is neutral and polar, at codon 794 of the PLEC protein (p.Ala794Thr). The frequency data for this variant in the population databases is considered unreliable, as metrics indicate poor data quality at this position in the gnomAD database. This variant has not been reported in the literature in individuals affected with PLEC-related conditions. Invitae Evidence Modeling of protein sequence and biophysical properties (such as structural, functional, and spatial information, amino acid conservation, physicochemical variation, residue mobility, and thermodynamic stability) indicates that this missense variant is not expected to disrupt PLEC protein function with a negative predictive value of 80%. In summary, the available evidence is currently insufficient to determine the role of this variant in disease. Therefore, it has been classified as a Variant of Uncertain Significance.

NM_201384.3(PLEC):c.2299G>A (p.Ala767Thr)

Gene: PLEC (plectin; minus strand). Cytogenetic location: 8q24.3.
Variant type: single nucleotide variant.
Coding change: c.2299G>A on transcript NM_201384.3 (MANE Select); coding-DNA position 2299, G replaced by A.
Protein change: p.Ala767Thr; replaces alanine 767 with threonine.
Molecular consequence: missense variant.
Genome position (GRCh38, 1-based): chr8:143,931,539, C>T on the plus strand (G>A on the coding strand, the complement: PLEC is on the minus strand). VCF-style: chr8-143931539-C-T. GRCh37 (hg19) VCF-style: chr8-145005707-C-T.
Other names: c.2380G>A, p.Ala794Thr (NM_000445.5, NM_001410941.1); c.2257G>A, p.Ala753Thr (NM_201378.4); c.2233G>A, p.Ala745Thr (NM_201379.3); c.2710G>A, p.Ala904Thr (NM_201380.4); c.2203G>A, p.Ala735Thr (NM_201381.3); c.2299G>A, p.Ala767Thr (NM_201382.4); c.2311G>A, p.Ala771Thr (NM_201383.3); short protein forms A753T, A794T, A767T, A771T, A745T, A735T, A904T.
Identifiers: ClinVar variation 4783413 (VCV004783413.1).
Genomic context (GRCh38, chr8:143,931,539, plus strand): 5'-GCCCAGACTCCAGGCCAGCCCCTCCTGACACGCCCCTGCACACCCCCTCCCTCACCTGGG[C>T]ATCCTGCAGCAGGTCCTCCAGCCGGGTGACGGTGGCGGAGCGATCACAACTGTATTTCCT-3'
Protein context (NP_958786.1, residues 757-777): VTRLEDLLQD[Ala767Thr]QDEKEQLNEY